The following is an entry in ClinVar:

ClinVar aggregate classification (germline): Conflicting classifications of pathogenicity. Review status: criteria provided, conflicting classifications (1 of 4 stars). 3 submissions from 3 submitters: Uncertain significance (2); Likely benign (1). Last evaluated 2026-09-02.

Conditions:
SDHA-related disorder. Also called: SDHA-related disorders; SDHA-related condition.
Mitochondrial complex II deficiency, nuclear type 1. Also called: SUCCINATE CoQ REDUCTASE DEFICIENCY. Identifiers: Orphanet 3208, MedGen C5700310, MONDO:0100294, OMIM 252011.
Pheochromocytoma/paraganglioma syndrome 5. Also called: Paragangliomas 5; SDHA-Related Hereditary Paraganglioma-Pheochromocytoma Syndrome. Identifiers: Orphanet 29072, MedGen C3279992, MONDO:0013602, OMIM 614165.
Hereditary cancer-predisposing syndrome. Also called: Tumor predisposition; Hereditary neoplastic syndrome; Neoplastic Syndromes, Hereditary; Hereditary Cancer Syndrome. Identifiers: Orphanet 140162, MedGen C0027672, MeSH D009386, MONDO:0015356.

Allele frequency attached by ClinVar (database versions not stated): gnomAD 0.00001; gnomAD exomes 0.00001 and 0.00002; TOPMed 0.00001; ExAC 0.00002.
gnomAD v4.1: 21 of 1,613,852 alleles (0.0013%); highest among the groups gnomAD compares: South Asian, 0.0066%; no homozygotes.

Submissions (3):

PreventionGenetics, part of Exact Sciences
Classification: Uncertain significance for SDHA-related condition. Last evaluated: 2026-09-02. Review status: criteria provided, single submitter. Criteria: ACMG Guidelines, 2015. Collection method: clinical testing. Allele origin: germline.
Comment: The SDHA c.1133C>T variant is predicted to result in the amino acid substitution p.Thr378Met. To our knowledge, this variant has not been reported in the literature. It is reported in 0.0040% of alleles in individuals of African descent in gnomAD and has conflicting interpretations in ClinVar ranging from likely benign to uncertain (Variation ID: 539641). At this time, the clinical significance of this variant is uncertain due to the absence of conclusive functional and genetic evidence.

Labcorp Genetics (formerly Invitae), Labcorp
Classification: Uncertain significance for Pheochromocytoma/paraganglioma syndrome 5; Mitochondrial complex II deficiency, nuclear type 1. Last evaluated: 2025-11-16. Review status: criteria provided, single submitter. Criteria: Invitae Variant Classification Sherloc (09022015). Collection method: clinical testing. Allele origin: germline.
Comment: This sequence change replaces threonine, which is neutral and polar, with methionine, which is neutral and non-polar, at codon 378 of the SDHA protein (p.Thr378Met). This variant is present in population databases (rs777420907, gnomAD 0.004%). This variant has not been reported in the literature in individuals affected with SDHA-related conditions. ClinVar contains an entry for this variant (Variation ID: 539641). Invitae Evidence Modeling of protein sequence and biophysical properties (such as structural, functional, and spatial information, amino acid conservation, physicochemical variation, residue mobility, and thermodynamic stability) indicates that this missense variant is not expected to disrupt SDHA protein function with a negative predictive value of 95%. In summary, the available evidence is currently insufficient to determine the role of this variant in disease. Therefore, it has been classified as a Variant of Uncertain Significance.

Ambry Genetics
Classification: Likely benign for Hereditary cancer-predisposing syndrome. Last evaluated: 2018-10-26. Review status: criteria provided, single submitter. Criteria: Ambry Variant Classification Scheme 2023. Collection method: clinical testing. Allele origin: germline.

NM_004168.4(SDHA):c.1133C>T (p.Thr378Met)

Gene: SDHA (succinate dehydrogenase complex flavoprotein subunit A; plus strand). Cytogenetic location: 5p15.33.
Variant type: single nucleotide variant.
Coding change: c.1133C>T on transcript NM_004168.4 (MANE Select); coding-DNA position 1133, C replaced by T.
Protein change: p.Thr378Met; replaces threonine 378 with methionine.
Molecular consequence: missense variant.
Genome position (GRCh38, 1-based): chr5:235,212, C>T. VCF-style: chr5-235212-C-T. GRCh37 (hg19) VCF-style: chr5-235327-C-T.
Other names: c.989C>T, p.Thr330Met (NM_001294332.2); c.1133C>T, p.Thr378Met (NM_001330758.2); short protein forms T378M, T330M.
Identifiers: ClinVar variation 539641 (VCV000539641.15), dbSNP rs777420907, ClinGen allele CA3173115.